The following is an entry in ClinVar:

ClinVar aggregate classification (germline): Uncertain significance (1 of 4 stars; one submission).

Allele frequency attached by ClinVar (database versions not stated): ExAC 0.00001; gnomAD exomes 0.00001.

Submission:

Labcorp Genetics (formerly Invitae), Labcorp
Classification: Uncertain significance. Last evaluated: 2023-12-17. Review status: criteria provided, single submitter. Criteria: Invitae Variant Classification Sherloc (09022015). Collection method: clinical testing. Allele origin: germline.
Comment: This sequence change replaces isoleucine, which is neutral and non-polar, with valine, which is neutral and non-polar, at codon 26 of the SNRPB protein (p.Ile26Val). This variant is present in population databases (rs761967815, gnomAD 0.003%). This variant has not been reported in the literature in individuals affected with SNRPB-related conditions. An algorithm developed to predict the effect of missense changes on protein structure and function (PolyPhen-2) suggests that this variant is likely to be tolerated. In summary, the available evidence is currently insufficient to determine the role of this variant in disease. Therefore, it has been classified as a Variant of Uncertain Significance.

NM_003091.4(SNRPB):c.76A>G (p.Ile26Val)

Gene: SNRPB (small nuclear ribonucleoprotein polypeptides B and B1; minus strand). Cytogenetic location: 20p13.
Variant type: single nucleotide variant.
Coding change: c.76A>G on transcript NM_003091.4 (MANE Select); coding-DNA position 76, A replaced by G.
Protein change: p.Ile26Val; replaces isoleucine 26 with valine.
Molecular consequence: missense variant.
Genome position (GRCh38, 1-based): chr20:2,467,686, T>C on the plus strand (A>G on the coding strand, the complement: SNRPB is on the minus strand). VCF-style: chr20-2467686-T-C. GRCh37 (hg19) VCF-style: chr20-2448332-T-C.
Other names: c.76A>G, p.Ile26Val (NM_198216.2); short protein forms I26V.
Identifiers: ClinVar variation 2889878 (VCV002889878.3), dbSNP rs761967815, ClinGen allele CA9732532.